The following is an entry in ClinVar:

NM_057175.5(NAA15):c.1410G>A (p.Arg470=)

Gene: NAA15 (N-alpha-acetyltransferase 15, NatA auxiliary subunit; plus strand). Cytogenetic location: 4q31.1.
Variant type: single nucleotide variant.
Coding change: c.1410G>A on transcript NM_057175.5 (MANE Select); coding-DNA position 1410, G replaced by A.
Protein change: p.Arg470=; no amino-acid change (arginine 470 retained).
Molecular consequence: synonymous variant.
Genome position (GRCh38, 1-based): chr4:139,359,895, G>A. VCF-style: chr4-139359895-G-A. GRCh37 (hg19) VCF-style: chr4-140281049-G-A.
Other names: c.1410G>A, p.Arg470= (NM_001410842.1).
Identifiers: ClinVar variation 4720137 (VCV004720137.1).
Genomic context (GRCh38, chr4:139,359,895, plus strand): 5'-ATACATGCTAAAAGCCAACCTGATTAAAGAAGCTGAAGAAATGTGCTCAAAGTTTACAAG[G>A]GTTTGTACAGCTAGTGTTCTTAATTATGAATAAAGAAGACATGAGCCAGTTCATACTTGT-3'
Protein context (NP_476516.1, residues 460-480): EAEEMCSKFT[Arg470=]EGTSAVENLN

ClinVar aggregate classification (germline): Uncertain significance (1 of 4 stars; one submission).

gnomAD v4.1: 1 of 1,581,404 alleles (0.000063%); highest among the groups gnomAD compares: African/African-American, 0.0014%; no homozygotes.

Submission:

Labcorp Genetics (formerly Invitae), Labcorp
Classification: Uncertain significance. Last evaluated: 2025-11-05. Review status: criteria provided, single submitter. Criteria: Invitae Variant Classification Sherloc (09022015). Collection method: clinical testing. Allele origin: germline.
Comment: This sequence change affects codon 470 of the NAA15 mRNA. It is a 'silent' change, meaning that it does not change the encoded amino acid sequence of the NAA15 protein. This variant also falls at the last nucleotide of exon 12, which is part of the consensus splice site for this exon. This variant is not present in population databases (gnomAD no frequency). This variant has not been reported in the literature in individuals affected with NAA15-related conditions. Variants that disrupt the consensus splice site are a relatively common cause of aberrant splicing (PMID: 17576681, 9536098). Algorithms developed to predict the effect of sequence changes on RNA splicing suggest that this variant may disrupt the consensus splice site. In summary, the available evidence is currently insufficient to determine the role of this variant in disease. Therefore, it has been classified as a Variant of Uncertain Significance.

Literature cited by the submitters: PubMed 17576681; PubMed 9536098.